The following is an entry in ClinVar:

NM_001366661.1(CLUH):c.2012C>T (p.Ala671Val)

Gene: CLUH (clustered mitochondria homolog; minus strand). Cytogenetic location: 17p13.3.
Variant type: single nucleotide variant.
Coding change: c.2012C>T on transcript NM_001366661.1 (MANE Select); coding-DNA position 2012, C replaced by T.
Protein change: p.Ala671Val; replaces alanine 671 with valine.
Molecular consequence: missense variant.
Genome position (GRCh38, 1-based): chr17:2,696,892, G>A on the plus strand (C>T on the coding strand, the complement: CLUH is on the minus strand). VCF-style: chr17-2696892-G-A. GRCh37 (hg19) VCF-style: chr17-2600186-G-A.
Other names: c.1898C>T, p.Ala633Val (NM_001366662.1); c.2012C>T, p.Ala671Val (NM_015229.4); short protein forms A633V, A671V.
Identifiers: ClinVar variation 673336 (VCV000673336.2), dbSNP rs11078312, ClinGen allele CA8284401.

ClinVar aggregate classification (germline): Benign. Review status: criteria provided, multiple submitters, no conflicts (2 of 4 stars). 2 submissions from 2 submitters: Benign (2). Last evaluated 2018-06-15.

Allele frequency attached by ClinVar (database versions not stated): ESP Exome Variant Server 0.08549; TOPMed 0.10603; gnomAD 0.10731; gnomAD exomes 0.13042 and 0.16814; 1000 Genomes Project 30x 0.18473; 1000 Genomes Project 0.19089; ExAC 0.19952.
gnomAD v4.1: 208,585 of 1,610,280 alleles (13%); highest among the groups gnomAD compares: East Asian, 37%; 17,354 homozygotes.

Submissions (2):

GeneDx
Classification: Benign. Last evaluated: 2018-06-15. Review status: criteria provided, single submitter. Criteria: GeneDx Variant Classification (06012015). Collection method: clinical testing. Allele origin: germline. Affected: yes.
Comment: This variant is considered likely benign or benign based on one or more of the following criteria: it is a conservative change, it occurs at a poorly conserved position in the protein, it is predicted to be benign by multiple in silico algorithms, and/or has population frequency not consistent with disease.

Breakthrough Genomics
Classification: Benign. Review status: criteria provided, single submitter. Criteria: ACMG Guidelines, 2015. Collection method: not provided. Allele origin: germline. Inheritance: Unknown mechanism. Affected: yes.